The following is an entry in ClinVar:

NM_004958.4(MTOR):c.38C>T (p.Ala13Val)

Gene: MTOR (mechanistic target of rapamycin kinase; minus strand). Cytogenetic location: 1p36.22.
Variant type: single nucleotide variant.
Coding change: c.38C>T on transcript NM_004958.4 (MANE Select); coding-DNA position 38, C replaced by T.
Protein change: p.Ala13Val; replaces alanine 13 with valine.
Molecular consequence: missense variant.
Genome position (GRCh38, 1-based): chr1:11,259,372, G>A on the plus strand (C>T on the coding strand, the complement: MTOR is on the minus strand). VCF-style: chr1-11259372-G-A. GRCh37 (hg19) VCF-style: chr1-11319429-G-A.
Other names: short protein forms A13V.
Identifiers: ClinVar variation 1007458 (VCV001007458.8), dbSNP rs1271626033, ClinGen allele CA338405455.

ClinVar aggregate classification (germline): Uncertain significance (1 of 4 stars; one submission).

Allele frequency attached by ClinVar (database versions not stated): gnomAD exomes below 0.00001 and 0.00001.
gnomAD v4.1: 20 of 1,597,538 alleles (0.0013%); highest among the groups gnomAD compares: Non-Finnish European, 0.0017%; no homozygotes.

Submission:

Labcorp Genetics (formerly Invitae), Labcorp
Classification: Uncertain significance. Last evaluated: 2025-07-14. Review status: criteria provided, single submitter. Criteria: Invitae Variant Classification Sherloc (09022015). Collection method: clinical testing. Allele origin: germline.
Comment: This sequence change replaces alanine, which is neutral and non-polar, with valine, which is neutral and non-polar, at codon 13 of the MTOR protein (p.Ala13Val). This variant is present in population databases (no rsID available, gnomAD 0.0009%). This variant has not been reported in the literature in individuals affected with MTOR-related conditions. ClinVar contains an entry for this variant (Variation ID: 1007458). Invitae Evidence Modeling of protein sequence and biophysical properties (such as structural, functional, and spatial information, amino acid conservation, physicochemical variation, residue mobility, and thermodynamic stability) indicates that this missense variant is not expected to disrupt MTOR protein function with a negative predictive value of 95%. In summary, the available evidence is currently insufficient to determine the role of this variant in disease. Therefore, it has been classified as a Variant of Uncertain Significance.